The following is an entry in ClinVar:

NM_015450.3(POT1):c.1720C>G (p.Leu574Val)

Gene: POT1 (protection of telomeres 1; minus strand). Cytogenetic location: 7q31.33.
Variant type: single nucleotide variant.
Coding change: c.1720C>G on transcript NM_015450.3 (MANE Select); coding-DNA position 1720, C replaced by G.
Protein change: p.Leu574Val; replaces leucine 574 with valine.
Molecular consequence: missense variant. On other transcripts: non-coding transcript variant (3).
Genome position (GRCh38, 1-based): chr7:124,825,324, G>C on the plus strand (C>G on the coding strand, the complement: POT1 is on the minus strand). VCF-style: chr7-124825324-G-C. GRCh37 (hg19) VCF-style: chr7-124465378-G-C.
Other names: c.1327C>G, p.Leu443Val (NM_001042594.2); short protein forms L443V, L574V.
Identifiers: ClinVar variation 3226664 (VCV003226664.1), dbSNP rs2485338396, ClinGen allele CA369062445.

ClinVar aggregate classification (germline): Uncertain significance (1 of 4 stars; one submission).

Conditions:
Hereditary cancer-predisposing syndrome. Also called: Neoplastic Syndromes, Hereditary; Tumor predisposition; Hereditary neoplastic syndrome; Hereditary Cancer Syndrome. Identifiers: Orphanet 140162, MedGen C0027672, MeSH D009386, MONDO:0015356.

Allele frequency attached by ClinVar (database versions not stated): gnomAD exomes below 0.00001.
gnomAD v4.1: 2 of 1,609,802 alleles (0.00012%); highest among the groups gnomAD compares: Non-Finnish European, 0.00017%; no homozygotes.

Submission:

Ambry Genetics
Classification: Uncertain significance for Hereditary cancer-predisposing syndrome. Last evaluated: 2023-09-17. Review status: criteria provided, single submitter. Criteria: Ambry Variant Classification Scheme 2023. Collection method: clinical testing. Allele origin: germline.
Comment: The p.L574V variant (also known as c.1720C>G), located in coding exon 14 of the POT1 gene, results from a C to G substitution at nucleotide position 1720. The leucine at codon 574 is replaced by valine, an amino acid with highly similar properties. This amino acid position is conserved. In addition, this alteration is predicted to be tolerated by in silico analysis. Since supporting evidence is limited at this time, the clinical significance of this alteration remains unclear.